The following is an entry in ClinVar:

ClinVar aggregate classification (germline): Likely benign (1 of 4 stars; one submission).

Allele frequency attached by ClinVar (database versions not stated): TOPMed below 0.00001; ExAC 0.00001.
gnomAD v4.1: 10 of 1,205,227 alleles (0.00083%); highest among the groups gnomAD compares: Middle Eastern, 0.023%; no homozygotes.

Submission:

CeGaT Center for Human Genetics Tuebingen
Classification: Likely benign. Last evaluated: 2023-11-01. Review status: criteria provided, single submitter. Criteria: CeGaT Center For Human Genetics Tuebingen Variant Classification Criteria Version 2. Collection method: clinical testing. Allele origin: germline. Affected: yes. Observed: 1 variant allele.
Comment: PCYT1B: BP4

NM_004845.5(PCYT1B):c.335-7G>A

Gene: PCYT1B (phosphate cytidylyltransferase 1B, choline; minus strand). Cytogenetic location: Xp22.11.
Variant type: single nucleotide variant.
Coding change: c.335-7G>A on transcript NM_004845.5 (MANE Select); 7 bases into the intron before coding-DNA position 335, G replaced by A.
Molecular consequence: intron variant.
Genome position (GRCh38, 1-based): chrX:24,590,181, C>T on the plus strand (G>A on the coding strand, the complement: PCYT1B is on the minus strand). VCF-style: chrX-24590181-C-T. GRCh37 (hg19) VCF-style: chrX-24608298-C-T.
Other names: c.281-7G>A (NM_001163264.2); c.335-7G>A (NM_001163265.2).
Identifiers: ClinVar variation 2673220 (VCV002673220.23), dbSNP rs756525408, ClinGen allele CA10372569.